The following is an entry in ClinVar:

ClinVar aggregate classification (germline): Likely benign. Review status: criteria provided, multiple submitters, no conflicts (2 of 4 stars). 2 submissions from 2 submitters: Likely benign (2). Last evaluated 2026-01-06.

Conditions:
AMPD1-related disorder. Also called: AMPD1-related condition.
Muscle AMP deaminase deficiency (MMDD). Also called: AMPD1 DEFICIENCY; ADENOSINE MONOPHOSPHATE DEAMINASE-1 DEFICIENCY, MYOPATHY DUE TO; Myoadenylate deaminase deficiency, myopathy due to; Adenosine monophosphate deaminase 1 deficiency; AMP deaminase 1 deficiency; Adenosine Monophosphate Deaminase 1. Identifiers: Orphanet 45, MedGen C3714933, MONDO:0014220, OMIM 615511.

Allele frequency attached by ClinVar (database versions not stated): ESP Exome Variant Server 0.00023.
gnomAD v4.1: 37 of 1,613,246 alleles (0.0023%); highest among the groups gnomAD compares: Non-Finnish European, 0.0031%; no homozygotes.

Submissions (2):

Labcorp Genetics (formerly Invitae), Labcorp
Classification: Likely benign for Muscle AMP deaminase deficiency. Last evaluated: 2026-01-06. Review status: criteria provided, single submitter. Criteria: Invitae Variant Classification Sherloc (09022015). Collection method: clinical testing. Allele origin: germline.

PreventionGenetics, part of Exact Sciences
Classification: Likely benign for AMPD1-related condition. Last evaluated: 2025-08-29. Review status: criteria provided, single submitter. Criteria: ACMG Guidelines, 2015. Collection method: clinical testing. Allele origin: germline.
Comment: This variant is classified as likely benign based on ACMG/AMP sequence variant interpretation guidelines (Richards et al. 2015 PMID: 25741868, with internal and published modifications).

NM_000036.3(AMPD1):c.1806C>G (p.Pro602=)

Gene: AMPD1 (adenosine monophosphate deaminase 1; minus strand). Cytogenetic location: 1p13.2.
Variant type: single nucleotide variant.
Coding change: c.1806C>G on transcript NM_000036.3 (MANE Select); coding-DNA position 1806, C replaced by G.
Protein change: p.Pro602=; no amino-acid change (proline 602 retained).
Molecular consequence: synonymous variant.
Genome position (GRCh38, 1-based): chr1:114,674,077, G>C on the plus strand (C>G on the coding strand, the complement: AMPD1 is on the minus strand). VCF-style: chr1-114674077-G-C. GRCh37 (hg19) VCF-style: chr1-115216698-G-C.
Other names: c.1905C>G (NM_000036.2); c.1794C>G, p.Pro598= (NM_001172626.2).
Identifiers: ClinVar variation 2150109 (VCV002150109.5), dbSNP rs148515775, ClinGen allele CA1020002.